The following is an entry in ClinVar:

NM_020297.4(ABCC9):c.4512+802C>T

Genes: ABCC9 (ATP binding cassette subfamily C member 9; minus strand), KCNJ8-AS1 (KCNJ8 antisense RNA 1; plus strand). Cytogenetic location: 12p12.1.
Variant type: single nucleotide variant.
Coding change: c.4512+802C>T on transcript NM_020297.4 (MANE Select); 802 bases into the intron after coding-DNA position 4512, C replaced by T.
Molecular consequence: intron variant. On other transcripts: missense variant (1).
Genome position (GRCh38, 1-based): chr12:21,805,196, G>A on the plus strand (C>T on the coding strand, the complement: ABCC9 is on the minus strand). VCF-style: chr12-21805196-G-A. GRCh37 (hg19) VCF-style: chr12-21958130-G-A.
Other names: c.4628C>T, p.Thr1543Ile (NM_005691.4); c.3645+802C>T (NM_001377274.1); c.4512+802C>T (NM_001377273.1); short protein forms T1543I.
Identifiers: ClinVar variation 1380962 (VCV001380962.6), dbSNP rs2137104244, ClinGen allele CA384128779.

ClinVar aggregate classification (germline): Uncertain significance (1 of 4 stars; one submission).

Conditions:
Dilated cardiomyopathy 1O (CMD1O). Also called: CARDIOMYOPATHY, DILATED, WITH VENTRICULAR TACHYCARDIA. Identifiers: Orphanet 154, MedGen C1837839, MONDO:0012062, OMIM 608569.

Submission:

Labcorp Genetics (formerly Invitae), Labcorp
Classification: Uncertain significance for Dilated cardiomyopathy 1O. Last evaluated: 2024-07-25. Review status: criteria provided, single submitter. Criteria: Invitae Variant Classification Sherloc (09022015). Collection method: clinical testing. Allele origin: germline.
Comment: This sequence change replaces threonine, which is neutral and polar, with isoleucine, which is neutral and non-polar, at codon 1543 of the ABCC9 protein (p.Thr1543Ile). This variant is not present in population databases (gnomAD no frequency). This variant has not been reported in the literature in individuals affected with ABCC9-related conditions. ClinVar contains an entry for this variant (Variation ID: 1380962). Advanced modeling of protein sequence and biophysical properties (such as structural, functional, and spatial information, amino acid conservation, physicochemical variation, residue mobility, and thermodynamic stability) performed at Invitae indicates that this missense variant is not expected to disrupt ABCC9 protein function with a negative predictive value of 80%. In summary, the available evidence is currently insufficient to determine the role of this variant in disease. Therefore, it has been classified as a Variant of Uncertain Significance.